The following is an entry in ClinVar:

ClinVar aggregate classification (germline): Uncertain significance (1 of 4 stars; one submission).

Conditions:
Congenital myasthenic syndrome 8. Also called: MYASTHENIC SYNDROME, CONGENITAL, DUE TO AGRIN DEFICIENCY; Myasthenic syndrome, congenital, 8, with pre- and postsynaptic defects. Identifiers: Orphanet 590, MedGen C3808739, MONDO:0014052, OMIM 615120.

Submission:

Labcorp Genetics (formerly Invitae), Labcorp
Classification: Uncertain significance for Congenital myasthenic syndrome 8. Last evaluated: 2021-05-18. Review status: criteria provided, single submitter. Criteria: Invitae Variant Classification Sherloc (09022015). Collection method: clinical testing. Allele origin: germline.
Comment: In summary, the available evidence is currently insufficient to determine the role of this variant in disease. Therefore, it has been classified as a Variant of Uncertain Significance. Algorithms developed to predict the effect of missense changes on protein structure and function are either unavailable or do not agree on the potential impact of this missense change (SIFT: "Tolerated"; PolyPhen-2: "Probably Damaging"; Align-GVGD: "Class C0"). This variant has not been reported in the literature in individuals with AGRN-related conditions. This variant is not present in population databases (ExAC no frequency). This sequence change replaces glycine with alanine at codon 1466 of the AGRN protein (p.Gly1466Ala). The glycine residue is highly conserved and there is a small physicochemical difference between glycine and alanine.

NM_198576.4(AGRN):c.4397G>C (p.Gly1466Ala)

Gene: AGRN (agrin; plus strand). Cytogenetic location: 1p36.33.
Variant type: single nucleotide variant.
Coding change: c.4397G>C on transcript NM_198576.4 (MANE Select); coding-DNA position 4397, G replaced by C.
Protein change: p.Gly1466Ala; replaces glycine 1466 with alanine.
Molecular consequence: missense variant.
Genome position (GRCh38, 1-based): chr1:1,049,334, G>C. VCF-style: chr1-1049334-G-C. GRCh37 (hg19) VCF-style: chr1-984714-G-C.
Other names: c.4397G>C, p.Gly1466Ala (NM_001305275.2); c.4082G>C, p.Gly1361Ala (NM_001364727.2); short protein forms G1361A, G1466A.
Identifiers: ClinVar variation 1468046 (VCV001468046.8), dbSNP rs1436879072, ClinGen allele CA337777254.